The following is an entry in ClinVar:

ClinVar aggregate classification (germline): Likely benign. Review status: criteria provided, multiple submitters, no conflicts (2 of 4 stars). 2 submissions from 2 submitters: Likely benign (2). Last evaluated 2025-08-04.

Conditions:
DST-related disorder. Also called: DST-related condition; DST-related disorders.
Epidermolysis bullosa simplex 3, localized or generalized intermediate, with BP230 deficiency (EBS3). Also called: Epidermolysis bullosa simplex, autosomal recessive 2; Epidermolysis bullosa simplex due to BP230 deficiency. Identifiers: Orphanet 412181, MedGen C3809470, MONDO:0014180, OMIM 615425.
Hereditary sensory and autonomic neuropathy type 6. Also called: Neuropathy, hereditary sensory and autonomic, type VI; HSAN VI. Identifiers: Orphanet 314381, MedGen C3539003, MONDO:0013839, OMIM 614653.

Allele frequency attached by ClinVar (database versions not stated): TOPMed 0.00008.
gnomAD v4.1: 62 of 1,608,906 alleles (0.0039%); highest among the groups gnomAD compares: African/African-American, 0.037%; no homozygotes.

Submissions (2):

Labcorp Genetics (formerly Invitae), Labcorp
Classification: Likely benign for Epidermolysis bullosa simplex 3, localized or generalized intermediate, with BP230 deficiency; Hereditary sensory and autonomic neuropathy type 6. Last evaluated: 2025-08-04. Review status: criteria provided, single submitter. Criteria: Invitae Variant Classification Sherloc (09022015). Collection method: clinical testing. Allele origin: germline.

PreventionGenetics, part of Exact Sciences
Classification: Likely benign for DST-related condition. Last evaluated: 2025-03-20. Review status: criteria provided, single submitter. Criteria: ACMG Guidelines, 2015. Collection method: clinical testing. Allele origin: germline.
Comment: This variant is classified as likely benign based on ACMG/AMP sequence variant interpretation guidelines (Richards et al. 2015 PMID: 25741868, with internal and published modifications).

NM_001374736.1(DST):c.22917G>A (p.Ala7639=)

Gene: DST (dystonin; minus strand). Cytogenetic location: 6p12.1.
Variant type: single nucleotide variant.
Coding change: c.22917G>A on transcript NM_001374736.1 (MANE Select); coding-DNA position 22917, G replaced by A.
Protein change: p.Ala7639=; no amino-acid change (alanine 7639 retained).
Molecular consequence: synonymous variant.
Genome position (GRCh38, 1-based): chr6:56,463,607, C>T on the plus strand (G>A on the coding strand, the complement: DST is on the minus strand). VCF-style: chr6-56463607-C-T. GRCh37 (hg19) VCF-style: chr6-56328405-C-T.
Other names: c.16488G>A (NM_001144769.2); c.16488G>A, p.Ala5496= (NM_001144769.5); c.16074G>A, p.Ala5358= (NM_001144770.2); c.22845G>A, p.Ala7615= (NM_001374722.1); c.21957G>A, p.Ala7319= (NM_001374729.1); c.15699G>A, p.Ala5233= (NM_001374730.1); c.22872G>A, p.Ala7624= (NM_001374734.1); c.15936G>A, p.Ala5312= (NM_001386100.1); and 2 more.
Identifiers: ClinVar variation 1109602 (VCV001109602.10), dbSNP rs567935553, ClinGen allele CA3866114.